The following is an entry in ClinVar:

ClinVar aggregate classification (germline): Uncertain significance. Review status: criteria provided, multiple submitters, no conflicts (2 of 4 stars). 3 submissions from 3 submitters: Uncertain significance (3). Last evaluated 2024-09-11.

Conditions:
Brugada syndrome. Also called: Sudden unexpected nocturnal death syndrome; Sudden unexplained nocturnal death syndrome; Sudden Unexplained Death Syndrome; Sudden Unexplained Nocturnal Death Syndrome (SUNDS). Identifiers: Orphanet 130, MedGen C1142166, MONDO:0015263.
Cardiovascular phenotype. Identifiers: MedGen CN230736.

Allele frequency attached by ClinVar (database versions not stated): gnomAD exomes below 0.00001 and 0.00001; TOPMed below 0.00001; ExAC 0.00001; gnomAD 0.00001; ESP Exome Variant Server 0.00008.
gnomAD v4.1: 13 of 1,614,062 alleles (0.00081%); highest among the groups gnomAD compares: Non-Finnish European, 0.001%; no homozygotes.

Submissions (3):

Ambry Genetics
Classification: Uncertain significance for Cardiovascular phenotype. Last evaluated: 2024-09-11. Review status: criteria provided, single submitter. Criteria: Ambry Variant Classification Scheme 2023. Collection method: clinical testing. Allele origin: germline.
Comment: The p.K1750R variant (also known as c.5249A>G), located in coding exon 27 of the SCN10A gene, results from an A to G substitution at nucleotide position 5249. The lysine at codon 1750 is replaced by arginine, an amino acid with highly similar properties. This amino acid position is conserved. In addition, the in silico prediction for this alteration is inconclusive. Based on the available evidence, the clinical significance of this variant remains unclear.

GeneDx
Classification: Uncertain significance. Last evaluated: 2024-05-15. Review status: criteria provided, single submitter. Criteria: GeneDx Variant Classification Process June 2021. Collection method: clinical testing. Allele origin: germline. Affected: yes.
Comment: Not observed at significant frequency in large population cohorts (gnomAD); In silico analysis supports that this missense variant has a deleterious effect on protein structure/function; Has not been previously published as pathogenic or benign to our knowledge

Labcorp Genetics (formerly Invitae), Labcorp
Classification: Uncertain significance for Brugada syndrome. Last evaluated: 2022-08-09. Review status: criteria provided, single submitter. Criteria: Invitae Variant Classification Sherloc (09022015). Collection method: clinical testing. Allele origin: germline.
Comment: This sequence change replaces lysine, which is basic and polar, with arginine, which is basic and polar, at codon 1750 of the SCN10A protein (p.Lys1750Arg). This variant is present in population databases (rs145589241, gnomAD 0.007%). This variant has not been reported in the literature in individuals affected with SCN10A-related conditions. ClinVar contains an entry for this variant (Variation ID: 572545). Algorithms developed to predict the effect of missense changes on protein structure and function (SIFT, PolyPhen-2, Align-GVGD) all suggest that this variant is likely to be tolerated. In summary, the available evidence is currently insufficient to determine the role of this variant in disease. Therefore, it has been classified as a Variant of Uncertain Significance.

NM_006514.4(SCN10A):c.5249A>G (p.Lys1750Arg)

Gene: SCN10A (sodium voltage-gated channel alpha subunit 10; minus strand). Cytogenetic location: 3p22.2.
Variant type: single nucleotide variant.
Coding change: c.5249A>G on transcript NM_006514.4 (MANE Select); coding-DNA position 5249, A replaced by G.
Protein change: p.Lys1750Arg; replaces lysine 1750 with arginine.
Molecular consequence: missense variant.
Genome position (GRCh38, 1-based): chr3:38,697,971, T>C on the plus strand (A>G on the coding strand, the complement: SCN10A is on the minus strand). VCF-style: chr3-38697971-T-C. GRCh37 (hg19) VCF-style: chr3-38739462-T-C.
Other names: c.5246A>G, p.Lys1749Arg (NM_001293306.2); c.4955A>G, p.Lys1652Arg (NM_001293307.2); c.5249A>G (NM_006514.2); short protein forms K1750R, K1652R, K1749R.
Identifiers: ClinVar variation 572545 (VCV000572545.5), dbSNP rs145589241, ClinGen allele CA2319714.